The following is an entry in ClinVar:

ClinVar aggregate classification (germline): Likely benign (0 of 4 stars; one submission).

Conditions:
STXBP5-related disorder. Also called: STXBP5-related condition.

Allele frequency attached by ClinVar (database versions not stated): gnomAD exomes 0.00014; ExAC 0.00031; 1000 Genomes Project 30x 0.00047; 1000 Genomes Project 0.00060; ESP Exome Variant Server 0.00085; gnomAD 0.00145; TOPMed 0.00183.
gnomAD v4.1: 432 of 1,612,914 alleles (0.027%); highest among the groups gnomAD compares: African/African-American, 0.47%; no homozygotes.

Submission:

PreventionGenetics, part of Exact Sciences
Classification: Likely benign for STXBP5-related condition. Last evaluated: 2023-07-16. Review status: no assertion criteria provided. Collection method: clinical testing. Allele origin: germline.
Comment: This variant is classified as likely benign based on ACMG/AMP sequence variant interpretation guidelines (Richards et al. 2015 PMID: 25741868, with internal and published modifications).

NM_001127715.4(STXBP5):c.787A>G (p.Ile263Val)

Gene: STXBP5 (syntaxin binding protein 5; plus strand). Cytogenetic location: 6q24.3.
Variant type: single nucleotide variant.
Coding change: c.787A>G on transcript NM_001127715.4 (MANE Select); coding-DNA position 787, A replaced by G.
Protein change: p.Ile263Val; replaces isoleucine 263 with valine.
Molecular consequence: missense variant.
Genome position (GRCh38, 1-based): chr6:147,278,153, A>G. VCF-style: chr6-147278153-A-G. GRCh37 (hg19) VCF-style: chr6-147599289-A-G.
Other names: c.787A>G, p.Ile263Val (NM_001394409.1, NM_139244.6); short protein forms I263V.
Identifiers: ClinVar variation 3050222 (VCV003050222.2), dbSNP rs148528112, ClinGen allele CA4038842.